The following is an entry in ClinVar:

ClinVar aggregate classification (germline): Conflicting classifications of pathogenicity. Review status: criteria provided, conflicting classifications (1 of 4 stars). 3 submissions from 3 submitters: Uncertain significance (2); Likely benign (1). Last evaluated 2026-01-27.

Conditions:
Progressive familial intrahepatic cholestasis type 2. Identifiers: Orphanet 79304, MedGen C3489789, MONDO:0011156, OMIM 601847.
ABCB11-related disorder. Also called: ABCB11-related condition.

Allele frequency attached by ClinVar (database versions not stated): gnomAD 0.00001; ExAC 0.00002; TOPMed 0.00002; gnomAD exomes 0.00003 and 0.00005; ESP Exome Variant Server 0.00008.
gnomAD v4.1: 43 of 1,611,028 alleles (0.0027%); highest among the groups gnomAD compares: Non-Finnish European, 0.0014%; no homozygotes.

Submissions (3):

Labcorp Genetics (formerly Invitae), Labcorp
Classification: Likely benign. Last evaluated: 2026-01-27. Review status: criteria provided, single submitter. Criteria: Invitae Variant Classification Sherloc (09022015). Collection method: clinical testing. Allele origin: germline.

PreventionGenetics, part of Exact Sciences
Classification: Uncertain significance for ABCB11-related condition. Last evaluated: 2023-09-25. Review status: criteria provided, single submitter. Criteria: ACMG Guidelines, 2015. Collection method: clinical testing. Allele origin: germline.
Comment: The ABCB11 c.2202A>C variant is predicted to result in the amino acid substitution p.Glu734Asp. To our knowledge, this variant has not been reported in the literature. This variant is reported in 0.080% of alleles in individuals of Ashkenazi Jewish descent in gnomAD. At this time, the clinical significance of this variant is uncertain due to the absence of conclusive functional and genetic evidence.

Illumina Laboratory Services, Illumina
Classification: Uncertain significance for Progressive familial intrahepatic cholestasis type 2. Last evaluated: 2018-01-13. Review status: criteria provided, single submitter. Criteria: ICSL Variant Classification Criteria 13 December 2019. Collection method: clinical testing. Allele origin: germline.

NM_003742.4(ABCB11):c.2202A>C (p.Glu734Asp)

Gene: ABCB11 (ATP binding cassette subfamily B member 11; minus strand). Cytogenetic location: 2q31.1.
Variant type: single nucleotide variant.
Coding change: c.2202A>C on transcript NM_003742.4 (MANE Select); coding-DNA position 2202, A replaced by C.
Protein change: p.Glu734Asp; replaces glutamic acid 734 with aspartic acid.
Molecular consequence: missense variant.
Genome position (GRCh38, 1-based): chr2:168,958,105, T>G on the plus strand (A>C on the coding strand, the complement: ABCB11 is on the minus strand). VCF-style: chr2-168958105-T-G. GRCh37 (hg19) VCF-style: chr2-169814615-T-G.
Other names: short protein forms E734D.
Identifiers: ClinVar variation 894110 (VCV000894110.12), dbSNP rs369865521, ClinGen allele CA1951326.
Genomic context (GRCh38, chr2:168,958,105, plus strand): 5'-GTAGGGCCATTCTGGAGCACTGAATTTCAGAATCCTCCTAACTGGGGCAGGTTCAACTTC[T>G]TCCTGCACAGGAATGTCCTTGTCCTTGAGCAGAGAGAGGGTTATATTAATCATCTAAATG-3'
Protein context (NP_003733.2, residues 724-744): DRKDKDIPVQ[Glu734Asp]EVEPAPVRRI